The following is an entry in ClinVar:

NM_001292063.2(OTOG):c.2512G>C (p.Gly838Arg)

Gene: OTOG (otogelin; plus strand). Cytogenetic location: 11p15.1.
Variant type: single nucleotide variant.
Coding change: c.2512G>C on transcript NM_001292063.2 (MANE Select); coding-DNA position 2512, G replaced by C.
Protein change: p.Gly838Arg; replaces glycine 838 with arginine.
Molecular consequence: missense variant.
Genome position (GRCh38, 1-based): chr11:17,576,581, G>C. VCF-style: chr11-17576581-G-C. GRCh37 (hg19) VCF-style: chr11-17598128-G-C.
Other names: c.2548G>C, p.Gly850Arg (NM_001277269.2); short protein forms G850R, G838R.
Identifiers: ClinVar variation 226869 (VCV000226869.17), dbSNP rs61734214, ClinGen allele CA5905631.
Genomic context (GRCh38, chr11:17,576,581, plus strand): 5'-CCTGCTCACCTTTCTTTGCTCCCATTTTTTTATAGGAACCAGTGCTCCTGCCACTTCCAG[G>C]GAGTGGACTATCCCCCCGGAGACAGTGACATCCCATCCCTGGGCCACTGGTGAGCTCCGT-3'
Protein context (NP_001278992.1, residues 828-848): PRNQCSCHFQ[Gly838Arg]VDYPPGDSDI

ClinVar aggregate classification (germline): Conflicting classifications of pathogenicity. Review status: criteria provided, conflicting classifications (1 of 4 stars). 6 submissions from 6 submitters: Likely pathogenic (1); Benign (3); Likely benign (2). Last evaluated 2026-01-27.

Conditions:
Meniere disease. Also called: Ménière's disease. Identifiers: MedGen C0025281, MONDO:0007972, OMIM 156000.

Allele frequency attached by ClinVar (database versions not stated): gnomAD exomes 0.00081 and 0.00158; ExAC 0.00206; 1000 Genomes Project 0.00699; 1000 Genomes Project 30x 0.00734; gnomAD 0.00842 and 0.00925; TOPMed 0.00934.
gnomAD v4.1: 2,459 of 1,550,570 alleles (0.16%); highest among the groups gnomAD compares: African/African-American, 3.1%; 35 homozygotes.

Submissions (6):

Labcorp Genetics (formerly Invitae), Labcorp
Classification: Benign. Last evaluated: 2026-01-27. Review status: criteria provided, single submitter. Criteria: Invitae Variant Classification Sherloc (09022015). Collection method: clinical testing. Allele origin: germline.

Meniere Disease Neuroscience Research Program, Faculty of Medicine and Health, Kolling Institute, The University of Sydney
Classification: Likely pathogenic for Meniere disease. Last evaluated: 2025-02-03. Review status: criteria provided, single submitter. Criteria: ACMG Guidelines, 2015. Collection method: research. Allele origin: germline. Affected: yes. Observed: 1 variant allele.
Comment: This variant has an amino acid change at p.G838R (p.G850R). In silico analysis using pathogenicity prediction algorithms such as the CADD score (27.6), and PolyPhen2 score (1.000), as well as ACMG guidelines for variant interpretation (PS4, PM2, PP3, PP2, BP1), have deemed the variant as "Likely Pathogenic. In silico Protein stability predictions such as DynaMut2 (-0.44kcal/mol) and MuPro (-0.76kcal/mol) have shown it to destabilize the protein. DynaMut2 also predicted a strong destabilization for the protein with the three variants together (-1.9kcal/mol), mimicking the proband's protein. However, experimental evidence is lacking. For the reasons above we have classified this variant as "Likely Pathogenic".

GeneDx
Classification: Benign. Last evaluated: 2018-06-01. Review status: criteria provided, single submitter. Criteria: GeneDx Variant Classification (06012015). Collection method: clinical testing. Allele origin: germline. Affected: yes.
Comment: This variant is considered likely benign or benign based on one or more of the following criteria: it is a conservative change, it occurs at a poorly conserved position in the protein, it is predicted to be benign by multiple in silico algorithms, and/or has population frequency not consistent with disease.

Center for Pediatric Genomic Medicine, Children's Mercy Hospital and Clinics
Classification: Likely benign. Last evaluated: 2016-07-22. Review status: criteria provided, single submitter. Criteria: ACMG Guidelines, 2015. Collection method: clinical testing. Allele origin: germline.
ClinVar note: Converted during submission from Likely Benign to Likely benign.

Laboratory for Molecular Medicine, Mass General Brigham Personalized Medicine
Classification: Benign. Last evaluated: 2014-11-24. Review status: criteria provided, single submitter. Criteria: LMM Criteria. Collection method: clinical testing. Allele origin: germline. Observed: 4 variant alleles.
Comment: Gly850Arg in exon 20 of OTOG: This variant is not expected to have clinical sign ificance because it has been identified in 6.7% (13/194) of Luhya (Kenyan) chrom osomes from a broad population by the 1000 Genomes Project (.; dbSNP rs61734214).

Breakthrough Genomics
Classification: Likely benign. Review status: criteria provided, single submitter. Criteria: ACMG Guidelines, 2015. Collection method: not provided. Allele origin: germline. Inheritance: Autosomal recessive inheritance. Affected: yes.